The following is an entry in ClinVar:

NC_000001.10:g.(?_155581953)_(155583377_?)del

Gene: MSTO1 (misato mitochondrial distribution and morphology regulator 1; plus strand). Cytogenetic location: 1q22.
Variant type: Deletion.
Identifiers: ClinVar variation 2426441 (VCV002426441.4).

ClinVar aggregate classification (germline): Pathogenic (1 of 4 stars; one submission).

Submission:

Labcorp Genetics (formerly Invitae), Labcorp
Classification: Pathogenic. Last evaluated: 2022-07-03. Review status: criteria provided, single submitter. Criteria: Invitae Variant Classification Sherloc (09022015). Collection method: clinical testing. Allele origin: germline.
Comment: For these reasons, this variant has been classified as Pathogenic. This variant has not been reported in the literature in individuals affected with MSTO1-related conditions. This variant is a gross deletion of the genomic region encompassing exon(s) 8-12 of the MSTO1 gene. This deletion is out-of-frame, and is expected to create a premature termination codon and result in an absent or disrupted protein product. Loss-of-function variants in MSTO1 are known to be pathogenic (PMID: 28544275, 29339779, 31463572).

Literature cited by the submitters: PubMed 28544275; PubMed 29339779; PubMed 31463572.